The following is an entry in ClinVar:

ClinVar aggregate classification (germline): Likely pathogenic (1 of 4 stars; one submission).

Conditions:
Hypouricemia, renal, 2. Also called: HYPOURICEMIA, RENAL, 2, AUTOSOMAL DOMINANT; HYPOURICEMIA, RENAL, 2, AUTOSOMAL RECESSIVE. Identifiers: MedGen C2677549, MONDO:0012793, OMIM 612076.

Submission:

Diagnostics Services (NGS), CSIR - Centre For Cellular And Molecular Biology
Classification: Likely pathogenic for Hypouricemia, renal, 2. Last evaluated: 2025-02-05. Review status: criteria provided, single submitter. Criteria: ACMG Guidelines, 2015. Collection method: clinical testing. Allele origin: unknown. Affected: yes. Observed: 1 variant allele, 1 heterozygote.
Comment: The c.1557dup variant is not present in publicly available population databases like 1000 Genomes, EVS, Indian Exome Database or our internal database. The variant is present in gnomAD, at a low frequency. This variant has neither been reported in the literature in individuals affected with SLC2A9-related conditions nor reported to clinical databases like Human Genome Mutation Database (HGMD), ClinVar or OMIM, in any affected individuals. In-silico pathogenicity prediction programs like MutationTaster2021, CADD, Varsome etc predicted this variant to be likely deleterious. This variant causes frameshift at the 520th amino acid position of the wild-type transcript which creates a premature translational stop-signal at the altered transcript that may result in the translation of a truncated protein however not predicted to cause nonsense-mediated decay of the mRNA.

NM_020041.3(SLC2A9):c.1557dup (p.Ala520fs)

Gene: SLC2A9 (solute carrier family 2 member 9; minus strand). Cytogenetic location: 4p16.1.
Variant type: Duplication.
Coding change: c.1557dup on transcript NM_020041.3 (MANE Select); coding-DNA position 1557, one base duplicated (A; older notation c.1557dupA).
Protein change: p.Ala520fs; shifts the reading frame from alanine 520.
Molecular consequence: frameshift variant.
Genome position (GRCh38, 1-based): chr4:9,826,463, T duplicated on the plus strand (A on the coding strand, the reverse complement: SLC2A9 is on the minus strand); the first of 3 consecutive T bases (chr4:9,826,463-9,826,465); duplicating any one gives the same sequence. VCF-style (leftmost placement, unchanged base first): chr4-9826462-C-CT. GRCh37 (hg19) VCF-style: chr4-9828086-C-CT.
Other names: c.1470dup, p.Ala491fs (NM_001001290.2); short protein forms A491fs, A520fs.
Identifiers: ClinVar variation 3767964 (VCV003767964.1).
Genomic context (GRCh38, chr4:9,826,462, plus strand): 5'-GCCTTCCATTTATCTTACCATCAGTGACAGCTGAGTCGATTTTCTCTTCTGGTGGGTATG[C>CT]TTTGTTCCTTTTGGAAAATGCCTGGCTGATTTCTGCATAGGTTCTGTTTTTGGTCTCAGG-3'